The following is an entry in ClinVar:

ClinVar aggregate classification (germline): Uncertain significance (1 of 4 stars; one submission).

Conditions:
Hereditary cancer-predisposing syndrome. Also called: Tumor predisposition; Hereditary Cancer Syndrome; Neoplastic Syndromes, Hereditary; Hereditary neoplastic syndrome. Identifiers: Orphanet 140162, MedGen C0027672, MeSH D009386, MONDO:0015356.

Submission:

Color Diagnostics, LLC DBA Color Health
Classification: Uncertain significance for Hereditary cancer-predisposing syndrome. Last evaluated: 2025-08-28. Review status: criteria provided, single submitter. Criteria: ACMG Guidelines, 2015. Collection method: clinical testing. Allele origin: germline.
Comment: This variant causes a G to A nucleotide substitution at the -15 position of intron 5 of the PMS2 gene. To our knowledge, RNA studies have not been reported for this variant. This variant has not been reported in individuals affected with PMS2-related disorders in the literature. This variant has not been identified in the general population by the Genome Aggregation Database (gnomAD). The available evidence is insufficient to determine the role of this variant in disease conclusively. Therefore, this variant is classified as a Variant of Uncertain Significance.

NM_000535.7(PMS2):c.538-15G>A

Gene: PMS2 (PMS1 homolog 2, mismatch repair system component; minus strand). Cytogenetic location: 7p22.1.
Variant type: single nucleotide variant.
Coding change: c.538-15G>A on transcript NM_000535.7 (MANE Select); 15 bases into the intron before coding-DNA position 538, G replaced by A.
Molecular consequence: intron variant.
Genome position (GRCh38, 1-based): chr7:5,999,290, C>T on the plus strand (G>A on the coding strand, the complement: PMS2 is on the minus strand). VCF-style: chr7-5999290-C-T. GRCh37 (hg19) VCF-style: chr7-6038921-C-T.
Other names: c.220-15G>A (NM_001322008.2, NM_001406902.1, NM_001406883.1 and 4 more transcripts); c.229-15G>A (NM_001406881.1, NM_001406879.1, NM_001322015.2 and 6 more transcripts); c.133-15G>A (NM_001406895.1, NM_001322010.2, NM_001322004.2 and 21 more transcripts); c.132+3163G>A (NM_001406911.1); c.133-1867G>A (NM_001322013.2, NM_001406909.1); c.-347-64G>A (NM_001322012.2, NM_001322011.2); c.251-64G>A (NM_001406885.1); c.537+3163G>A (NM_001406886.1); and 4 more.
Identifiers: ClinVar variation 4757899 (VCV004757899.1).